The following is an entry in ClinVar:

ClinVar aggregate classification (germline): Uncertain significance (1 of 4 stars; one submission).

Conditions:
Hereditary cancer-predisposing syndrome. Also called: Tumor predisposition; Neoplastic Syndromes, Hereditary; Hereditary neoplastic syndrome; Hereditary Cancer Syndrome. Identifiers: Orphanet 140162, MedGen C0027672, MeSH D009386, MONDO:0015356.

Submission:

Ambry Genetics
Classification: Uncertain significance for Hereditary cancer-predisposing syndrome. Last evaluated: 2024-09-30. Review status: criteria provided, single submitter. Criteria: Ambry Variant Classification Scheme 2023. Collection method: clinical testing. Allele origin: germline.
Comment: The p.V247E variant (also known as c.740T>A), located in coding exon 1 of the AXIN2 gene, results from a T to A substitution at nucleotide position 740. The valine at codon 247 is replaced by glutamic acid, an amino acid with dissimilar properties. This amino acid position is conserved. In addition, the in silico prediction for this alteration is inconclusive. Based on the available evidence, the clinical significance of this variant remains unclear.

NM_004655.4(AXIN2):c.740T>A (p.Val247Glu)

Gene: AXIN2 (axin 2; minus strand). Cytogenetic location: 17q24.1.
Variant type: single nucleotide variant.
Coding change: c.740T>A on transcript NM_004655.4 (MANE Select); coding-DNA position 740, T replaced by A.
Protein change: p.Val247Glu; replaces valine 247 with glutamic acid.
Molecular consequence: missense variant.
Genome position (GRCh38, 1-based): chr17:65,557,881, A>T on the plus strand (T>A on the coding strand, the complement: AXIN2 is on the minus strand). VCF-style: chr17-65557881-A-T. GRCh37 (hg19) VCF-style: chr17-63553999-A-T.
Other names: c.740T>A, p.Val247Glu (NM_001363813.1); short protein forms V247E.
Identifiers: ClinVar variation 3470509 (VCV003470509.1).
Genomic context (GRCh38, chr17:65,557,881, plus strand): 5'-ACAGTTTCCGTGGACCTCACACTCGCCGTGGCCCTCAGAGTTTTGCTGGACAAGCCAACC[A>T]CGGTTGGCGAAAGTTTGCACTTGAAGTCGGCACAAGTCCACTCCTCTTCTTCATTCAAGG-3'
Protein context (NP_004646.3, residues 237-257): ADFKCKLSPT[Val247Glu]VGLSSKTLRA